The following is an entry in ClinVar:

NM_002207.3(ITGA9):c.329C>T (p.Thr110Met)

Gene: ITGA9 (integrin subunit alpha 9; plus strand). Cytogenetic location: 3p22.2.
Variant type: single nucleotide variant.
Coding change: c.329C>T on transcript NM_002207.3 (MANE Select); coding-DNA position 329, C replaced by T.
Protein change: p.Thr110Met; replaces threonine 110 with methionine.
Molecular consequence: missense variant.
Genome position (GRCh38, 1-based): chr3:37,473,369, C>T. VCF-style: chr3-37473369-C-T. GRCh37 (hg19) VCF-style: chr3-37514860-C-T.
Other names: short protein forms T110M.
Identifiers: ClinVar variation 3045257 (VCV003045257.2), dbSNP rs143806524, ClinGen allele CA2310392.

ClinVar aggregate classification (germline): Likely benign (0 of 4 stars; one submission).

Conditions:
ITGA9-related disorder. Also called: ITGA9-related condition.

Allele frequency attached by ClinVar (database versions not stated): gnomAD exomes 0.00008; ExAC 0.00027; gnomAD 0.00063; TOPMed 0.00081; ESP Exome Variant Server 0.00100; 1000 Genomes Project 0.00120; 1000 Genomes Project 30x 0.00125.
gnomAD v4.1: 226 of 1,613,908 alleles (0.014%); highest among the groups gnomAD compares: African/African-American, 0.21%; 1 homozygote.

Submission:

PreventionGenetics, part of Exact Sciences
Classification: Likely benign for ITGA9-related condition. Last evaluated: 2022-02-11. Review status: no assertion criteria provided. Collection method: clinical testing. Allele origin: germline.
Comment: This variant is classified as likely benign based on ACMG/AMP sequence variant interpretation guidelines (Richards et al. 2015 PMID: 25741868, with internal and published modifications).